The following is an entry in ClinVar:

ClinVar aggregate classification (germline): Uncertain significance (1 of 4 stars; one submission).

Conditions:
Cataract 10 multiple types. Also called: CATARACT 10, CONGENITAL ZONULAR, WITH SUTURAL OPACITIES. Identifiers: Orphanet 91492, MedGen C1833229, MONDO:0010948, OMIM 600881.

Submission:

Labcorp Genetics (formerly Invitae), Labcorp
Classification: Uncertain significance for Cataract 10 multiple types. Last evaluated: 2021-10-11. Review status: criteria provided, single submitter. Criteria: Invitae Variant Classification Sherloc (09022015). Collection method: clinical testing. Allele origin: germline.
Comment: A similar copy number variant has been observed in individual(s) with congenital cataracts (Invitae). It has also been observed to segregate with disease in related individuals. This variant results in the deletion of exon 5 and part of exon 6 (c.357+255_580del) of the CRYBA1 gene. It affects a nucleotide within the consensus splice site. In summary, the available evidence is currently insufficient to determine the role of this variant in disease. Therefore, it has been classified as a Variant of Uncertain Significance. Variants that disrupt the consensus splice site are a relatively common cause of aberrant splicing (PMID: 17576681, 9536098). Experimental studies and prediction algorithms are not available or were not evaluated, and the functional significance of this variant is currently unknown.

Literature cited by the submitters: PubMed 17576681; PubMed 9536098.

NC_000017.10:g.(?_27579473)_(27581294_?)del

Gene: CRYBA1 (crystallin beta A1; plus strand). Cytogenetic location: 17q11.2.
Variant type: Deletion.
Identifiers: ClinVar variation 1440392 (VCV001440392.4).